The following is an entry in ClinVar:

ClinVar aggregate classification (germline): Pathogenic (1 of 4 stars; one submission).

Conditions:
Hyperornithinemia-hyperammonemia-homocitrullinuria syndrome (HHHS). Also called: Ornithine translocase deficiency; HHH SYNDROME. Identifiers: Orphanet 415, MedGen C0268540, MONDO:0009393, OMIM 238970.

Submission:

Labcorp Genetics (formerly Invitae), Labcorp
Classification: Pathogenic for Hyperornithinemia-hyperammonemia-homocitrullinuria syndrome. Last evaluated: 2022-08-16. Review status: criteria provided, single submitter. Criteria: Invitae Variant Classification Sherloc (09022015). Collection method: clinical testing. Allele origin: germline.
Comment: This variant is a gross deletion of the genomic region encompassing exon(s) 5 of the SLC25A15 gene. This deletion is out-of-frame, and is expected to create a premature termination codon and result in an absent or disrupted protein product. Loss-of-function variants in SLC25A15 are known to be pathogenic (PMID: 11552031, 19242930). For these reasons, this variant has been classified as Pathogenic. This variant has not been reported in the literature in individuals affected with SLC25A15-related conditions.

Literature cited by the submitters: PubMed 11552031; PubMed 19242930.

NC_000013.10:g.(?_41381410)_(41381619_?)del

Gene: SLC25A15 (solute carrier family 25 member 15; plus strand). Cytogenetic location: 13q14.11.
Variant type: Deletion.
Identifiers: ClinVar variation 1459923 (VCV001459923.5).